The following is an entry in ClinVar:

NM_001127198.5(TMC6):c.2147G>T (p.Arg716Leu)

Gene: TMC6 (transmembrane channel like 6; minus strand). Cytogenetic location: 17q25.3.
Variant type: single nucleotide variant.
Coding change: c.2147G>T on transcript NM_001127198.5 (MANE Select); coding-DNA position 2147, G replaced by T.
Protein change: p.Arg716Leu; replaces arginine 716 with leucine.
Molecular consequence: missense variant. On other transcripts: non-coding transcript variant (4).
Genome position (GRCh38, 1-based): chr17:78,117,519, C>A on the plus strand (G>T on the coding strand, the complement: TMC6 is on the minus strand). VCF-style: chr17-78117519-C-A. GRCh37 (hg19) VCF-style: chr17-76113600-C-A.
Other names: c.2147G>T, p.Arg716Leu (NM_001321185.1, NM_001374596.1, NM_001375353.1 and 2 more transcripts); c.1967G>T, p.Arg656Leu (NM_001374593.1, NM_001374594.1); short protein forms R716L, R656L.
Identifiers: ClinVar variation 1524406 (VCV001524406.6), dbSNP rs149378643, ClinGen allele CA401225038.
Genomic context (GRCh38, chr17:78,117,519, plus strand): 5'-GGGACTCACAGCAGCAGGGCTGACACCAGGAAGACAAAGAAGGTGTTTTCCATCAGGTAC[C>A]GGTGCACCCAGGGCAGCCAGGAGACCCTGGGGCCTGCCGCCTCCAGGTGGCGCACCCACA-3'
Protein context (NP_001120670.1, residues 706-726): PRVSWLPWVH[Arg716Leu]YLMENTFFVF

ClinVar aggregate classification (germline): Uncertain significance (1 of 4 stars; one submission).

Conditions:
Epidermodysplasia verruciformis. Identifiers: Orphanet 302, MedGen C0014522, MONDO:0009176.

Submission:

Labcorp Genetics (formerly Invitae), Labcorp
Classification: Uncertain significance for Epidermodysplasia verruciformis. Last evaluated: 2025-03-18. Review status: criteria provided, single submitter. Criteria: Invitae Variant Classification Sherloc (09022015). Collection method: clinical testing. Allele origin: germline.
Comment: This sequence change replaces arginine with leucine at codon 716 of the TMC6 protein (p.Arg716Leu). The arginine residue is weakly conserved and there is a moderate physicochemical difference between arginine and leucine. This variant is not present in population databases (gnomAD no frequency). This variant has not been reported in the literature in individuals affected with TMC6-related conditions. ClinVar contains an entry for this variant (Variation ID: 1524406). An algorithm developed to predict the effect of missense changes on protein structure and function (PolyPhen-2) suggests that this variant is likely to be tolerated. In summary, the available evidence is currently insufficient to determine the role of this variant in disease. Therefore, it has been classified as a Variant of Uncertain Significance.